The following is an entry in ClinVar:

NM_000206.3(IL2RG):c.1094T>C (p.Leu365Pro)

Gene: IL2RG (interleukin 2 receptor subunit gamma; minus strand). Cytogenetic location: Xq13.1.
Variant type: single nucleotide variant.
Coding change: c.1094T>C on transcript NM_000206.3 (MANE Select); coding-DNA position 1094, T replaced by C.
Protein change: p.Leu365Pro; replaces leucine 365 with proline.
Molecular consequence: missense variant.
Genome position (GRCh38, 1-based): chrX:71,107,752, A>G on the plus strand (T>C on the coding strand, the complement: IL2RG is on the minus strand). VCF-style: chrX-71107752-A-G. GRCh37 (hg19) VCF-style: chrX-70327602-A-G.
Other names: short protein forms L365P.
Identifiers: ClinVar variation 660280 (VCV000660280.6), dbSNP rs1602287912, ClinGen allele CA413627578.

ClinVar aggregate classification (germline): Uncertain significance (1 of 4 stars; one submission).

Conditions:
X-linked severe combined immunodeficiency (SCIDX1). Also called: IMMUNODEFICIENCY 4; SCID, X-LINKED; SEVERE COMBINED IMMUNODEFICIENCY, X-LINKED, T CELL-NEGATIVE, B CELL-POSITIVE, NK CELL-NEGATIVE; X-Linked Combined Immunodeficiency Diseases; T-B+ severe combined immunodeficiency due to gamma chain deficiency. Identifiers: Orphanet 276, MedGen C6022468, MONDO:0010315, OMIM 300400. Disease mechanism: loss of function.

Submission:

Labcorp Genetics (formerly Invitae), Labcorp
Classification: Uncertain significance for X-linked severe combined immunodeficiency. Last evaluated: 2021-09-01. Review status: criteria provided, single submitter. Criteria: Invitae Variant Classification Sherloc (09022015). Collection method: clinical testing. Allele origin: germline.
Comment: This sequence change replaces leucine with proline at codon 365 of the IL2RG protein (p.Leu365Pro). The leucine residue is moderately conserved and there is a moderate physicochemical difference between leucine and proline. This variant is not present in population databases (ExAC no frequency). This variant has not been reported in the literature in individuals affected with IL2RG-related conditions. Algorithms developed to predict the effect of missense changes on protein structure and function output the following: SIFT: "Tolerated"; PolyPhen-2: "Benign"; Align-GVGD: "Class C0". The proline amino acid residue is found in multiple mammalian species, which suggests that this missense change does not adversely affect protein function. In summary, the available evidence is currently insufficient to determine the role of this variant in disease. Therefore, it has been classified as a Variant of Uncertain Significance.